The following is an entry in ClinVar:

ClinVar aggregate classification (germline): Uncertain significance (1 of 4 stars; one submission).

Conditions:
Tumor predisposition syndrome 3 (TPDS3). Also called: Glioma susceptibility 9; LONG TELOMERE SYNDROME, POT1-RELATED; POT1 Tumor Predisposition; Melanoma, cutaneous malignant, susceptibility to, 10. Identifiers: Orphanet 618, MedGen C4014476, MONDO:0014368, OMIM 615848.

Allele frequency attached by ClinVar (database versions not stated): TOPMed below 0.00001; gnomAD exomes below 0.00001.

Submission:

Labcorp Genetics (formerly Invitae), Labcorp
Classification: Uncertain significance for Tumor predisposition syndrome 3. Last evaluated: 2022-12-24. Review status: criteria provided, single submitter. Criteria: Invitae Variant Classification Sherloc (09022015). Collection method: clinical testing. Allele origin: germline.
Comment: This sequence change replaces methionine, which is neutral and non-polar, with threonine, which is neutral and polar, at codon 144 of the POT1 protein (p.Met144Thr). In summary, the available evidence is currently insufficient to determine the role of this variant in disease. Therefore, it has been classified as a Variant of Uncertain Significance. Advanced modeling of protein sequence and biophysical properties (such as structural, functional, and spatial information, amino acid conservation, physicochemical variation, residue mobility, and thermodynamic stability) performed at Invitae indicates that this missense variant is not expected to disrupt POT1 protein function. ClinVar contains an entry for this variant (Variation ID: 1007377). This variant has not been reported in the literature in individuals affected with POT1-related conditions. This variant is not present in population databases (gnomAD no frequency).

NM_015450.3(POT1):c.431T>C (p.Met144Thr)

Gene: POT1 (protection of telomeres 1; minus strand). Cytogenetic location: 7q31.33.
Variant type: single nucleotide variant.
Coding change: c.431T>C on transcript NM_015450.3 (MANE Select); coding-DNA position 431, T replaced by C.
Protein change: p.Met144Thr; replaces methionine 144 with threonine.
Molecular consequence: missense variant. On other transcripts: non-coding transcript variant (3).
Genome position (GRCh38, 1-based): chr7:124,863,465, A>G on the plus strand (T>C on the coding strand, the complement: POT1 is on the minus strand). VCF-style: chr7-124863465-A-G. GRCh37 (hg19) VCF-style: chr7-124503519-A-G.
Other names: c.38T>C, p.Met13Thr (NM_001042594.2); short protein forms M13T, M144T.
Identifiers: ClinVar variation 1007377 (VCV001007377.11), dbSNP rs1795647984, ClinGen allele CA369059356.